The following is an entry in ClinVar:

NM_001232.4(CASQ2):c.740C>G (p.Pro247Arg)

Gene: CASQ2 (calsequestrin 2; minus strand). Cytogenetic location: 1p13.1.
Variant type: single nucleotide variant.
Coding change: c.740C>G on transcript NM_001232.4 (MANE Select); coding-DNA position 740, C replaced by G.
Protein change: p.Pro247Arg; replaces proline 247 with arginine.
Molecular consequence: missense variant.
Genome position (GRCh38, 1-based): chr1:115,725,551, G>C on the plus strand (C>G on the coding strand, the complement: CASQ2 is on the minus strand). VCF-style: chr1-115725551-G-C. GRCh37 (hg19) VCF-style: chr1-116268172-G-C.
Other names: c.740C>G (NM_001232.3); short protein forms P247R.
Identifiers: ClinVar variation 1040988 (VCV001040988.9), dbSNP rs768261470, ClinGen allele CA1023768.

ClinVar aggregate classification (germline): Uncertain significance. Review status: criteria provided, multiple submitters, no conflicts (2 of 4 stars). 2 submissions from 2 submitters: Uncertain significance (2). Last evaluated 2023-11-28.

Conditions:
Catecholaminergic polymorphic ventricular tachycardia 1. Also called: VENTRICULAR TACHYCARDIA, CATECHOLAMINERGIC POLYMORPHIC, 1, WITH OR WITHOUT ATRIAL DYSFUNCTION AND/OR DILATED CARDIOMYOPATHY; VENTRICULAR TACHYCARDIA, STRESS-INDUCED POLYMORPHIC 1; RYR2-Related Catecholaminergic Polymorphic Ventricular Tachycardia. Identifiers: Orphanet 3286, MedGen C1631597, MONDO:0011484, OMIM 604772.
Cardiovascular phenotype. Identifiers: MedGen CN230736.

gnomAD v4.1: 1 of 1,536,658 alleles (0.000065%); highest among the groups gnomAD compares: Non-Finnish European, 0.000087%; no homozygotes.

Submissions (2):

Ambry Genetics
Classification: Uncertain significance for Cardiovascular phenotype. Last evaluated: 2023-11-28. Review status: criteria provided, single submitter. Criteria: Ambry Variant Classification Scheme 2023. Collection method: clinical testing. Allele origin: germline.
Comment: The p.P247R variant (also known as c.740C>G), located in coding exon 7 of the CASQ2 gene, results from a C to G substitution at nucleotide position 740. The proline at codon 247 is replaced by arginine, an amino acid with dissimilar properties. This amino acid position is conserved. In addition, this alteration is predicted to be deleterious by in silico analysis. Since supporting evidence is limited at this time, the clinical significance of this alteration remains unclear.

Labcorp Genetics (formerly Invitae), Labcorp
Classification: Uncertain significance for Catecholaminergic polymorphic ventricular tachycardia 1. Last evaluated: 2023-09-18. Review status: criteria provided, single submitter. Criteria: Invitae Variant Classification Sherloc (09022015). Collection method: clinical testing. Allele origin: germline.
Comment: ClinVar contains an entry for this variant (Variation ID: 1040988). This variant has not been reported in the literature in individuals affected with CASQ2-related conditions. The frequency data for this variant in the population databases is considered unreliable, as metrics indicate poor data quality at this position in the gnomAD database. This sequence change replaces proline, which is neutral and non-polar, with arginine, which is basic and polar, at codon 247 of the CASQ2 protein (p.Pro247Arg). An algorithm developed to predict the effect of missense changes on protein structure and function (PolyPhen-2) suggests that this variant is likely to be disruptive. In summary, the available evidence is currently insufficient to determine the role of this variant in disease. Therefore, it has been classified as a Variant of Uncertain Significance.